The following is an entry in ClinVar:

NM_004415.4(DSP):c.5560G>C (p.Glu1854Gln)

Gene: DSP (desmoplakin; plus strand). Cytogenetic location: 6p24.3.
Variant type: single nucleotide variant.
Coding change: c.5560G>C on transcript NM_004415.4 (MANE Select); coding-DNA position 5560, G replaced by C.
Protein change: p.Glu1854Gln; replaces glutamic acid 1854 with glutamine.
Molecular consequence: missense variant.
Genome position (GRCh38, 1-based): chr6:7,582,822, G>C. VCF-style: chr6-7582822-G-C. GRCh37 (hg19) VCF-style: chr6-7583055-G-C.
Other names: c.3763G>C, p.Glu1255Gln (NM_001008844.3); c.4231G>C, p.Glu1411Gln (NM_001319034.2); short protein forms E1854Q, E1411Q, E1255Q.
Identifiers: ClinVar variation 1967914 (VCV001967914.6), dbSNP rs2533936434, ClinGen allele CA362688887.

ClinVar aggregate classification (germline): Conflicting classifications of pathogenicity. Review status: criteria provided, conflicting classifications (1 of 4 stars). 2 submissions from 2 submitters: Uncertain significance (1); Likely benign (1). Last evaluated 2026-07-27.

Conditions:
Arrhythmogenic right ventricular dysplasia 8 (ARVD8). Also called: Arrhythmogenic Right Ventricular Dysplasia/Cardiomyopathy 8; ARRHYTHMOGENIC RIGHT VENTRICULAR DYSPLASIA, FAMILIAL, 8; ARRHYTHMOGENIC RIGHT VENTRICULAR CARDIOMYOPATHY 8. Identifiers: MedGen C1843896, MONDO:0011831, OMIM 607450.
Arrhythmogenic cardiomyopathy with wooly hair and keratoderma. Also called: PALMOPLANTAR KERATODERMA WITH LEFT VENTRICULAR CARDIOMYOPATHY AND WOOLLY HAIR; Carvajal syndrome; Dilated cardiomyopathy with woolly hair and keratoderma; Arrhythmogenic cardiomyopathy with woolly hair and keratoderma. Identifiers: Orphanet 65282, MedGen C1854063, MONDO:0011581, OMIM 605676.
Cardiovascular phenotype. Identifiers: MedGen CN230736.

Submissions (2):

Ambry Genetics
Classification: Likely benign for Cardiovascular phenotype. Last evaluated: 2026-07-27. Review status: criteria provided, single submitter. Criteria: Ambry Variant Classification Scheme 2023. Collection method: clinical testing. Allele origin: germline.

Labcorp Genetics (formerly Invitae), Labcorp
Classification: Uncertain significance for Arrhythmogenic cardiomyopathy with wooly hair and keratoderma; Arrhythmogenic right ventricular dysplasia 8. Last evaluated: 2025-07-10. Review status: criteria provided, single submitter. Criteria: Invitae Variant Classification Sherloc (09022015). Collection method: clinical testing. Allele origin: germline.
Comment: This sequence change replaces glutamic acid, which is acidic and polar, with glutamine, which is neutral and polar, at codon 1854 of the DSP protein (p.Glu1854Gln). This variant is not present in population databases (gnomAD no frequency). This variant has not been reported in the literature in individuals affected with DSP-related conditions. ClinVar contains an entry for this variant (Variation ID: 1967914). An algorithm developed to predict the effect of missense changes on protein structure and function (PolyPhen-2) suggests that this variant is likely to be disruptive. In summary, the available evidence is currently insufficient to determine the role of this variant in disease. Therefore, it has been classified as a Variant of Uncertain Significance.